The following is an entry in ClinVar:

NM_001083962.2(TCF4):c.637_639delinsCTTCATGCAACCAGCACTT (p.Ser213fs)

Gene: TCF4 (transcription factor 4; minus strand). Cytogenetic location: 18q21.2.
Variant type: Indel.
Coding change: c.637_639delinsCTTCATGCAACCAGCACTT on transcript NM_001083962.2 (MANE Select); coding-DNA positions 637 to 639, AGC replaced by CTTCATGCAACCAGCACTT.
Protein change: p.Ser213fs; shifts the reading frame from serine 213.
Molecular consequence: frameshift variant. On other transcripts: 5 prime UTR variant (1).
Genome position (GRCh38, 1-based): chr18:55,279,567-55,279,569, GCT replaced by AAGTGCTGGTTGCATGAAG on the plus strand (AGC replaced by CTTCATGCAACCAGCACTT on the coding strand, the reverse complement: TCF4 is on the minus strand). VCF-style: chr18-55279567-GCT-AAGTGCTGGTTGCATGAAG. GRCh37 (hg19) VCF-style: chr18-52946798-GCT-AAGTGCTGGTTGCATGAAG.
Other names: c.943_945delinsCTTCATGCAACCAGCACTT, p.Ser315fs (NM_001243226.3); c.565_567delinsCTTCATGCAACCAGCACTT, p.Ser189fs (NM_001243227.2, NM_001306207.1, NM_001348217.1 and 9 more transcripts); c.655_657delinsCTTCATGCAACCAGCACTT, p.Ser219fs (NM_001243228.2); c.631_633delinsCTTCATGCAACCAGCACTT, p.Ser211fs (NM_001243230.2); c.511_513delinsCTTCATGCAACCAGCACTT, p.Ser171fs (NM_001243231.2, NM_001348211.2); c.424_426delinsCTTCATGCAACCAGCACTT, p.Ser142fs (NM_001243232.1, NM_001306208.1); c.247_249delinsCTTCATGCAACCAGCACTT, p.Ser83fs (NM_001243233.2, NM_001330605.3, NM_001348212.2 and 1 more transcripts); c.157_159delinsCTTCATGCAACCAGCACTT, p.Ser53fs (NM_001243234.2, NM_001243235.2, NM_001243236.2 and 2 more transcripts); and 4 more; short protein forms S142fs, S171fs, S188fs, S189fs, S211fs, S212fs, S213fs, S219fs.
Identifiers: ClinVar variation 976467 (VCV000976467.1), dbSNP rs2062114611, ClinGen allele CA1139666106.
Genomic context (GRCh38, chr18:55,279,567, plus strand): 5'-AATGCTATCCAGTGGCCTTTCCCTCAGAAGCAGCAGCATCTTACCTTGCATGAAGAAGGA[GCT>AAGTGCTGGTTGCATGAAG]AGGGAAAGTGCTGGTTGCTGGTTTGGAGGAAGGATAGCCTGGCGAGTCCCTATTGTAGTC-3'

ClinVar aggregate classification (germline): Pathogenic (0 of 4 stars; one submission).

Conditions:
Pitt-Hopkins syndrome (PTHS). Also called: ENCEPHALOPATHY, SEVERE EPILEPTIC, WITH AUTONOMIC DYSFUNCTION; MENTAL RETARDATION, SYNDROMAL, WITH INTERMITTENT HYPERVENTILATION. Identifiers: Orphanet 2896, MedGen C1970431, MONDO:0012589, OMIM 610954.

Submission:

Clinical Genomics Laboratory, Stanford Medicine
Classification: Pathogenic for Pitt-Hopkins syndrome. Last evaluated: 2019-10-04. Review status: no assertion criteria provided. Collection method: clinical testing. Allele origin: germline. Inheritance: Autosomal dominant inheritance. Affected: yes.
Comment: This variant was absent from large population databases, including the Genome Aggregation Database. The p.Ser213Leufs*18 variant results in a 3 bp deletion and 19 bp insertion, which causes a shift in the protein reading frame, leading to a premature termination codon 18 amino acids downstream. Heterozygous loss of function is an established mechanism of disease for the TCF4 gene (Zweier et al., 2008; Whalen et al., 2012; Sweetser et al., 2012). These data were assessed using the ACMG/AMP variant interpretation guidelines. In summary, there is sufficient evidence to classify the p.Ser213Leufs*18 variant as pathogenic for autosomal dominant Pitt-Hopkins syndrome based on the information above. [ACMG evidence codes used: PVS1; PS2; PM2]